The following is an entry in ClinVar:

ClinVar aggregate classification (germline): Benign/Likely benign. Review status: criteria provided, multiple submitters, no conflicts (2 of 4 stars). 8 submissions from 8 submitters: Benign (5); Likely benign (3). Last evaluated 2026-06-01.

Conditions:
Hypohidrotic ectodermal dysplasia (HED). Identifiers: Orphanet 238468, MedGen C5848103, MONDO:0016535, HP:0007607.
Ectodermal dysplasia 11A, hypohidrotic/hair/tooth type, autosomal dominant. Identifiers: Orphanet 1810, Orphanet 238468, MedGen C3541517, MONDO:0013982, OMIM 614940.
Ectodermal dysplasia 11B, hypohidrotic/hair/tooth type, autosomal recessive. Identifiers: Orphanet 238468, Orphanet 248, MedGen C3539920, MONDO:0013983, OMIM 614941.
Ectodermal dysplasia. Also called: Ectodermal dysplasia syndrome. Identifiers: Orphanet 79373, MedGen C0013575, MONDO:0019287, HP:0000968.

Allele frequency attached by ClinVar (database versions not stated): 1000 Genomes Project 0.01298; 1000 Genomes Project 30x 0.01359; ESP Exome Variant Server 0.01976; TOPMed 0.02030; ExAC 0.02108; gnomAD 0.02123 and 0.02153; gnomAD exomes 0.02126 and 0.02738.
gnomAD v4.1: 42,989 of 1,614,052 alleles (2.7%); highest among the groups gnomAD compares: Middle Eastern, 3.8%; 704 homozygotes.

Submissions (8):

CeGaT Center for Human Genetics Tuebingen
Classification: Benign. Last evaluated: 2026-06-01. Review status: criteria provided, single submitter. Criteria: CeGaT Center For Human Genetics Tuebingen Variant Classification Criteria Version 2. Collection method: clinical testing. Allele origin: germline. Affected: yes. Observed: 2 variant alleles.
Comment: EDARADD: BP4, BS1, BS2

Labcorp Genetics (formerly Invitae), Labcorp
Classification: Benign for Ectodermal dysplasia 11B, hypohidrotic/hair/tooth type, autosomal recessive; Ectodermal dysplasia 11A, hypohidrotic/hair/tooth type, autosomal dominant. Last evaluated: 2026-01-19. Review status: criteria provided, single submitter. Criteria: Invitae Variant Classification Sherloc (09022015). Collection method: clinical testing. Allele origin: germline.

GeneDx
Classification: Likely benign. Last evaluated: 2025-08-18. Review status: criteria provided, single submitter. Criteria: GeneDx Variant Classification Process June 2021. Collection method: clinical testing. Allele origin: germline. Affected: yes.
Comment: See Variant Classification Assertion Criteria.

Genetics Laboratory, Great Ormond Street Hospital NHS Foundation Trust, North Thames Genomic Laboratory Hub
Classification: Benign for Ectodermal dysplasia. Last evaluated: 2024-09-25. Review status: criteria provided, single submitter. Criteria: ACGS Best Practice Guidelines for Variant Classification in Rare Disease 2024 v1.2. Collection method: clinical testing. Allele origin: germline. Affected: yes.
Comment: BS1_strong, BS2_strong, BP4_supporting

ARUP Laboratories, Molecular Genetics and Genomics, ARUP Laboratories
Classification: Benign. Last evaluated: 2023-10-26. Review status: criteria provided, single submitter. Criteria: ARUP Molecular Germline Variant Investigation Process 2024. Collection method: clinical testing. Allele origin: germline.

Illumina Laboratory Services, Illumina
Classification: Likely benign for Hypohidrotic ectodermal dysplasia. Last evaluated: 2018-03-02. Review status: criteria provided, single submitter. Criteria: ICSL Variant Classification Criteria 13 December 2019. Collection method: clinical testing. Allele origin: germline.
Comment: This variant was observed as part of a predisposition screen in an ostensibly healthy population. A literature search was performed for the gene, cDNA change, and amino acid change (where applicable). Publications were found based on this search. The evidence from the literature, in combination with allele frequency data from public databases where available, was sufficient to determine this variant is unlikely to cause disease. Therefore, this variant is classified as likely benign.

Breakthrough Genomics
Classification: Likely benign. Review status: criteria provided, single submitter. Criteria: ACMG Guidelines, 2015. Collection method: not provided. Allele origin: germline. Inheritance: Autosomal recessive inheritance. Affected: yes.

PreventionGenetics, part of Exact Sciences
Classification: Benign. Review status: criteria provided, single submitter. Criteria: ACMG Guidelines, 2015. Collection method: clinical testing. Allele origin: germline.

Literature cited by the submitters: PubMed 21626677 (cited by Illumina Laboratory Services, Illumina); PubMed 20979233 (cited by Illumina Laboratory Services, Illumina); PubMed 20222921 (cited by Illumina Laboratory Services, Illumina).

NM_145861.4(EDARADD):c.308C>T (p.Ser103Phe)

Gene: EDARADD (EDAR associated via death domain; plus strand). Cytogenetic location: 1q43.
Variant type: single nucleotide variant.
Coding change: c.308C>T on transcript NM_145861.4 (MANE Select); coding-DNA position 308, C replaced by T.
Protein change: p.Ser103Phe; replaces serine 103 with phenylalanine.
Molecular consequence: missense variant.
Genome position (GRCh38, 1-based): chr1:236,482,309, C>T. VCF-style: chr1-236482309-C-T. GRCh37 (hg19) VCF-style: chr1-236645609-C-T.
Other names: c.278C>T, p.Ser93Phe (NM_080738.5); c.242C>T, p.Ser81Phe (NM_001422628.1); short protein forms S103F, S93F, S81F.
Identifiers: ClinVar variation 262601 (VCV000262601.38), dbSNP rs114632254, ClinGen allele CA1470064.
Genomic context (GRCh38, chr1:236,482,309, plus strand): 5'-AATTGTTTCTCCCTGCAGAGATCAGCAAGGACAACTCCTGCAAAGAAAACTGTACTTGTT[C>T]CTCCTGCTTGCTCCGGGCCCCCACCATAAGTGACTTGCTCAATGATCAGGACTTACTAGA-3'
Protein context (NP_665860.2, residues 93-113): DNSCKENCTC[Ser103Phe]SCLLRAPTIS